The following is an entry in ClinVar:

NM_000384.3(APOB):c.10086T>G (p.Ile3362Met)

Gene: APOB (apolipoprotein B; minus strand). Cytogenetic location: 2p24.1.
Variant type: single nucleotide variant.
Coding change: c.10086T>G on transcript NM_000384.3 (MANE Select); coding-DNA position 10086, T replaced by G.
Protein change: p.Ile3362Met; replaces isoleucine 3362 with methionine.
Molecular consequence: missense variant.
Genome position (GRCh38, 1-based): chr2:21,006,782, A>C on the plus strand (T>G on the coding strand, the complement: APOB is on the minus strand). VCF-style: chr2-21006782-A-C. GRCh37 (hg19) VCF-style: chr2-21229654-A-C.
Other names: short protein forms I3362M.
Identifiers: ClinVar variation 1789437 (VCV001789437.2), dbSNP rs1295667387, ClinGen allele CA345987526.

ClinVar aggregate classification (germline): Uncertain significance (1 of 4 stars; one submission).

Conditions:
Cardiovascular phenotype. Identifiers: MedGen CN230736.

Allele frequency attached by ClinVar (database versions not stated): gnomAD exomes 0.00001.
gnomAD v4.1: 3 of 1,614,124 alleles (0.00019%); highest among the groups gnomAD compares: Admixed American, 0.005%; 1 homozygote.

Submission:

Ambry Genetics
Classification: Uncertain significance for Cardiovascular phenotype. Last evaluated: 2021-07-08. Review status: criteria provided, single submitter. Criteria: Ambry Variant Classification Scheme 2023. Collection method: clinical testing. Allele origin: germline.
Comment: The p.I3362M variant (also known as c.10086T>G), located in coding exon 26 of the APOB gene, results from a T to G substitution at nucleotide position 10086. The isoleucine at codon 3362 is replaced by methionine, an amino acid with highly similar properties. This amino acid position is conserved. In addition, this alteration is predicted to be tolerated by in silico analysis. Since supporting evidence is limited at this time, the clinical significance of this alteration remains unclear.